The following is an entry in ClinVar:

NM_004456.5(EZH2):c.182A>G (p.Lys61Arg)

Gene: EZH2 (enhancer of zeste 2 polycomb repressive complex 2 subunit; minus strand). Cytogenetic location: 7q36.1.
Variant type: single nucleotide variant.
Coding change: c.182A>G on transcript NM_004456.5 (MANE Select); coding-DNA position 182, A replaced by G.
Protein change: p.Lys61Arg; replaces lysine 61 with arginine.
Molecular consequence: missense variant.
Genome position (GRCh38, 1-based): chr7:148,846,534, T>C on the plus strand (A>G on the coding strand, the complement: EZH2 is on the minus strand). VCF-style: chr7-148846534-T-C. GRCh37 (hg19) VCF-style: chr7-148543626-T-C.
Other names: c.182A>G, p.Lys61Arg (NM_001203247.2, NM_001203248.2, NM_001203249.2 and 1 more transcripts); short protein forms K61R.
Identifiers: ClinVar variation 2673132 (VCV002673132.25), dbSNP rs2537876792, ClinGen allele CA369708214.
Genomic context (GRCh38, chr7:148,846,534, plus strand): 5'-CTAGTCCCGCGCAATGAGCTCACAGAAGTCAGGATGTGCACAGGCTGTATCCTTCGCTGT[T>C]TCCATTCTTGGTTTAAGATTTCCGTTCTTTCCAAAATTTTCTGACGATTGGAACTAAACA-3'
Protein context (NP_004447.2, residues 51-71): ERTEILNQEW[Lys61Arg]QRRIQPVHIL

ClinVar aggregate classification (germline): Uncertain significance. Review status: criteria provided, multiple submitters, no conflicts (2 of 4 stars). 2 submissions from 2 submitters: Uncertain significance (2). Last evaluated 2024-02-27.

Conditions:
Weaver syndrome (WVS). Also called: Weaver Smith syndrome; Overgrowth syndrome with accelerated skeletal maturation, unusual facies, and camptodactyly. Identifiers: Orphanet 3447, MedGen C0265210, MONDO:0010193, OMIM 277590.

Submissions (2):

Labcorp Genetics (formerly Invitae), Labcorp
Classification: Uncertain significance for Weaver syndrome. Last evaluated: 2024-02-27. Review status: criteria provided, single submitter. Criteria: Invitae Variant Classification Sherloc (09022015). Collection method: clinical testing. Allele origin: germline.
Comment: This sequence change replaces lysine, which is basic and polar, with arginine, which is basic and polar, at codon 61 of the EZH2 protein (p.Lys61Arg). This variant is not present in population databases (gnomAD no frequency). This variant has not been reported in the literature in individuals affected with EZH2-related conditions. Advanced modeling of protein sequence and biophysical properties (such as structural, functional, and spatial information, amino acid conservation, physicochemical variation, residue mobility, and thermodynamic stability) performed at Invitae indicates that this missense variant is not expected to disrupt EZH2 protein function with a negative predictive value of 80%. In summary, the available evidence is currently insufficient to determine the role of this variant in disease. Therefore, it has been classified as a Variant of Uncertain Significance.

CeGaT Center for Human Genetics Tuebingen
Classification: Uncertain significance. Last evaluated: 2023-11-01. Review status: criteria provided, single submitter. Criteria: CeGaT Center For Human Genetics Tuebingen Variant Classification Criteria Version 2. Collection method: clinical testing. Allele origin: germline. Affected: yes. Observed: 1 variant allele.
Comment: EZH2: PM2, PP2